The following is an entry in ClinVar:

NM_206933.4(USH2A):c.13286_13302del (p.Gly4428_Cys4429insTer)

Gene: USH2A (usherin; minus strand). Cytogenetic location: 1q41.
Variant type: Deletion.
Coding change: c.13286_13302del on transcript NM_206933.4 (MANE Select); coding-DNA positions 13286 to 13302, 17 bases deleted (GCACAGCTAGTGTGTCA).
Protein change: p.Gly4428_Cys4429insTer.
Molecular consequence: nonsense.
Genome position (GRCh38, 1-based): chr1:215,674,609-215,674,625, TGACACACTAGCTGTGC deleted on the plus strand (GCACAGCTAGTGTGTCA on the coding strand, the reverse complement: USH2A is on the minus strand). VCF-style (leftmost placement, unchanged base first): chr1-215674608-TTGACACACTAGCTGTGC-T. GRCh37 (hg19) VCF-style: chr1-215847950-TTGACACACTAGCTGTGC-T.
Identifiers: ClinVar variation 1425884 (VCV001425884.6), dbSNP rs2102665496, ClinGen allele CA2573131566.

ClinVar aggregate classification (germline): Pathogenic (1 of 4 stars; one submission).

Submission:

Labcorp Genetics (formerly Invitae), Labcorp
Classification: Pathogenic. Last evaluated: 2021-12-22. Review status: criteria provided, single submitter. Criteria: Invitae Variant Classification Sherloc (09022015). Collection method: clinical testing. Allele origin: germline.
Comment: This sequence change creates a premature translational stop signal (p.Cys4429*) in the USH2A gene. It is expected to result in an absent or disrupted protein product. Loss-of-function variants in USH2A are known to be pathogenic (PMID: 10729113, 10909849, 20507924, 25649381). This variant is not present in population databases (gnomAD no frequency). This variant has not been reported in the literature in individuals affected with USH2A-related conditions. For these reasons, this variant has been classified as Pathogenic.

Literature cited by the submitters: PubMed 10729113; PubMed 10909849; PubMed 20507924; PubMed 25649381.